The following is an entry in ClinVar:

NM_001276270.2(MBD4):c.321T>A (p.Asp107Glu)

Gene: MBD4 (methyl-CpG binding domain 4, DNA glycosylase; minus strand). Cytogenetic location: 3q21.3.
Variant type: single nucleotide variant.
Coding change: c.321T>A on transcript NM_001276270.2 (MANE Select); coding-DNA position 321, T replaced by A.
Protein change: p.Asp107Glu; replaces aspartic acid 107 with glutamic acid.
Molecular consequence: missense variant. On other transcripts: intron variant (1).
Genome position (GRCh38, 1-based): chr3:129,437,734, A>T on the plus strand (T>A on the coding strand, the complement: MBD4 is on the minus strand). VCF-style: chr3-129437734-A-T. GRCh37 (hg19) VCF-style: chr3-129156577-A-T.
Other names: c.321T>A, p.Asp107Glu (NM_001276271.2, NM_001276272.2, NM_003925.3); c.247+74T>A (NM_001276273.2); short protein forms D107E.
Identifiers: ClinVar variation 3698682 (VCV003698682.3).

ClinVar aggregate classification (germline): Uncertain significance. Review status: criteria provided, multiple submitters, no conflicts (2 of 4 stars). 2 submissions from 2 submitters: Uncertain significance (2). Last evaluated 2026-01-21.

Conditions:
Inborn genetic diseases. Identifiers: MedGen C0950123, MeSH D030342.

Submissions (2):

Labcorp Genetics (formerly Invitae), Labcorp
Classification: Uncertain significance. Last evaluated: 2026-01-21. Review status: criteria provided, single submitter. Criteria: Invitae Variant Classification Sherloc (09022015). Collection method: clinical testing. Allele origin: germline.
Comment: This sequence change replaces aspartic acid, which is acidic and polar, with glutamic acid, which is acidic and polar, at codon 107 of the MBD4 protein (p.Asp107Glu). This variant is present in population databases (rs778846345, gnomAD 0.02%). This variant has not been reported in the literature in individuals affected with MBD4-related conditions. ClinVar contains an entry for this variant (Variation ID: 3698682). An algorithm developed to predict the effect of missense changes on protein structure and function (PolyPhen-2) suggests that this variant is likely to be disruptive. In summary, the available evidence is currently insufficient to determine the role of this variant in disease. Therefore, it has been classified as a Variant of Uncertain Significance.

Ambry Genetics
Classification: Uncertain significance for Inborn genetic diseases. Last evaluated: 2025-04-04. Review status: criteria provided, single submitter. Criteria: Ambry Variant Classification Scheme 2023. Collection method: clinical testing. Allele origin: germline.
Comment: The p.D107E variant (also known as c.321T>A), located in coding exon 2 of the MBD4 gene, results from a T to A substitution at nucleotide position 321. The aspartic acid at codon 107 is replaced by glutamic acid, an amino acid with highly similar properties. This amino acid position is conserved. In addition, this alteration is predicted to be deleterious by in silico analysis. Based on the available evidence, the clinical significance of this variant remains unclear.